The following is an entry in ClinVar:

ClinVar aggregate classification (germline): Pathogenic. Review status: criteria provided, multiple submitters, no conflicts (2 of 4 stars). 6 submissions from 6 submitters: Pathogenic (5). 1 of the submissions does not count toward it. Last evaluated 2023-12-07.

Conditions:
Schinzel-Giedion syndrome (SGS). Identifiers: Orphanet 798, MedGen C0265227, MONDO:0010010, OMIM 269150.
Intellectual developmental disorder, autosomal dominant 29. Also called: Intellectual disability, autosomal dominant 29; SETBP1 Haploinsufficiency Disorder. Identifiers: Orphanet 436151, MedGen C4015141, MONDO:0014482, OMIM 616078.

Submissions (6):

GeneDx
Classification: Pathogenic. Last evaluated: 2023-12-07. Review status: criteria provided, single submitter. Criteria: GeneDx Variant Classification Process June 2021. Collection method: clinical testing. Allele origin: germline. Affected: yes.
Comment: Nonsense variant predicted to result in protein truncation or nonsense mediated decay in a gene for which loss of function is a known mechanism of disease; Not observed at significant frequency in large population cohorts (gnomAD); This variant is associated with the following publications: (PMID: 25217958, 27535533, 31785789, 26350204, 33907317)

Labcorp Genetics (formerly Invitae), Labcorp
Classification: Pathogenic. Last evaluated: 2023-08-04. Review status: criteria provided, single submitter. Criteria: Invitae Variant Classification Sherloc (09022015). Collection method: clinical testing. Allele origin: germline.
Comment: ClinVar contains an entry for this variant (Variation ID: 157559). For these reasons, this variant has been classified as Pathogenic. This premature translational stop signal has been observed in individual(s) with SETBP1-related conditions (PMID: 25217958, 26350204). This variant is not present in population databases (gnomAD no frequency). This sequence change creates a premature translational stop signal (p.Arg625*) in the SETBP1 gene. It is expected to result in an absent or disrupted protein product. Loss-of-function variants in SETBP1 are known to be pathogenic (PMID: 21037274, 25217958).

Baylor Genetics
Classification: Pathogenic for Intellectual developmental disorder, autosomal dominant 29. Last evaluated: 2018-05-15. Review status: criteria provided, single submitter. Criteria: ACMG Guidelines, 2015. Collection method: clinical testing. Allele origin: de novo. Affected: yes.
Comment: This variant was determined to be pathogenic according to ACMG Guidelines, 2015 [PMID:25741868].

Cytogénomique, Hospices Civils de Lyon
Classification: Pathogenic for Intellectual developmental disorder, autosomal dominant 29; Schinzel-Giedion syndrome. Last evaluated: 2018-01-15. Review status: criteria provided, single submitter. Criteria: ACMG Guidelines, 2015. Collection method: clinical testing. Allele origin: de novo. Inheritance: Autosomal dominant inheritance. Affected: yes.

Juno Genomics, Hangzhou Juno Genomics, Inc
Classification: Pathogenic for Intellectual developmental disorder, autosomal dominant 29; Schinzel-Giedion syndrome. Review status: criteria provided, single submitter. Criteria: ACMG Guidelines, 2015. Collection method: clinical testing. Allele origin: germline. Affected: yes.
Comment: Null variant in a gene where loss of function (LOF) is a known mechanism of disease.;Absent from controls (or at extremely low frequency if recessive) in Genome Aggregation Database, Exome Sequencing Project, 1000 Genomes Project, or Exome Aggregation Consortium.;The prevalence of the variant in affected individuals is significantly increased compared to the prevalence in controls.

OMIM
Classification: Pathogenic for INTELLECTUAL DEVELOPMENTAL DISORDER, AUTOSOMAL DOMINANT 29. Last evaluated: 2014-10-01. Review status: no assertion criteria provided. Collection method: literature only. Allele origin: germline. Not counted in ClinVar's aggregate classification.

Literature cited by the submitters: PubMed 25217958 (cited by Labcorp Genetics (formerly Invitae), Labcorp and OMIM); PubMed 26350204 (cited by Labcorp Genetics (formerly Invitae), Labcorp); PubMed 21037274 (cited by Labcorp Genetics (formerly Invitae), Labcorp).

NM_015559.3(SETBP1):c.1873C>T (p.Arg625Ter)

Gene: SETBP1 (SET binding protein 1; plus strand). Cytogenetic location: 18q12.3.
Variant type: single nucleotide variant.
Coding change: c.1873C>T on transcript NM_015559.3 (MANE Select); coding-DNA position 1873, C replaced by T.
Protein change: p.Arg625Ter; replaces arginine 625 with a stop codon.
Molecular consequence: nonsense.
Genome position (GRCh38, 1-based): chr18:44,951,213, C>T. VCF-style: chr18-44951213-C-T. GRCh37 (hg19) VCF-style: chr18-42531178-C-T.
Other names: short protein forms R625*.
Identifiers: ClinVar variation 157559 (VCV000157559.17), dbSNP rs606231272, ClinGen allele CA170964.